The following is an entry in ClinVar:

NM_032816.5(CEP89):c.1205T>C (p.Val402Ala)

Gene: CEP89 (centrosomal protein 89; minus strand). Cytogenetic location: 19q13.11.
Variant type: single nucleotide variant.
Coding change: c.1205T>C on transcript NM_032816.5 (MANE Select); coding-DNA position 1205, T replaced by C.
Protein change: p.Val402Ala; replaces valine 402 with alanine.
Molecular consequence: missense variant.
Genome position (GRCh38, 1-based): chr19:32,923,502, A>G on the plus strand (T>C on the coding strand, the complement: CEP89 is on the minus strand). VCF-style: chr19-32923502-A-G. GRCh37 (hg19) VCF-style: chr19-33414408-A-G.
Other names: short protein forms V402A.
Identifiers: ClinVar variation 2882004 (VCV002882004.3), dbSNP rs1374918547, ClinGen allele CA405201246.

ClinVar aggregate classification (germline): Uncertain significance (1 of 4 stars; one submission).

Submission:

Labcorp Genetics (formerly Invitae), Labcorp
Classification: Uncertain significance. Last evaluated: 2025-06-12. Review status: criteria provided, single submitter. Criteria: Invitae Variant Classification Sherloc (09022015). Collection method: clinical testing. Allele origin: germline.
Comment: This sequence change replaces valine, which is neutral and non-polar, with alanine, which is neutral and non-polar, at codon 402 of the CEP89 protein (p.Val402Ala). This variant is not present in population databases (gnomAD no frequency). This variant has not been reported in the literature in individuals affected with CEP89-related conditions. ClinVar contains an entry for this variant (Variation ID: 2882004). An algorithm developed to predict the effect of missense changes on protein structure and function (PolyPhen-2) suggests that this variant is likely to be tolerated. In summary, the available evidence is currently insufficient to determine the role of this variant in disease. Therefore, it has been classified as a Variant of Uncertain Significance.